The following is an entry in ClinVar:

ClinVar aggregate classification (germline): Pathogenic/Likely pathogenic. Review status: criteria provided, multiple submitters, no conflicts (2 of 4 stars). 3 submissions from 3 submitters: Pathogenic (1); Likely pathogenic (1). 1 of the submissions does not count toward it. Last evaluated 2022-12-02.

Conditions:
Autosomal recessive hypophosphatemic bone disease (HHRH). Also called: Hypophosphatemic rickets with hypercalciuria; HYPERCALCIURIC RICKETS. Identifiers: Orphanet 157215, MedGen C1853271, MONDO:0009431, OMIM 241530.

Submissions (3):

Women's Health and Genetics/Laboratory Corporation of America, LabCorp
Classification: Likely pathogenic for Hereditary Hypophosphatemic Rickets With Hypercalciuria. Last evaluated: 2022-12-02. Review status: criteria provided, single submitter. Criteria: LabCorp Variant Classification Summary - May 2015. Collection method: clinical testing. Allele origin: germline.
Comment: Variant summary: SLC34A3 c.1238C>A (p.Ala413Glu) results in a non-conservative amino acid change in the encoded protein sequence. Five of five in-silico tools predict a damaging effect of the variant on protein function. The variant was absent in 248528 control chromosomes (gnomAD). c.1238C>A has been reported in the literature in the compound heterozygous state in trans with a pathogenic variant in two siblings affected with Hereditary Hypophosphatemic Rickets With Hypercalciuria from a family in which the variant was found to segregate with the disease phenotype (Lorenz-Depiereux_2006). These data indicate that the variant is likely associated with disease. To our knowledge, no experimental evidence demonstrating an impact on protein function has been reported. One submitter has provided a clinical-significance assessment for this variant to ClinVar after 2014 and classified the variant as pathogenic. Based on the evidence outlined above, the variant was classified as likely pathogenic.

Institute of Human Genetics Munich, TUM University Hospital
Classification: Pathogenic for Autosomal recessive hypophosphatemic bone disease. Last evaluated: 2017-09-30. Review status: criteria provided, single submitter. Criteria: Classification criteria August 2017. Collection method: clinical testing. Allele origin: paternal. Inheritance: Autosomal recessive inheritance. Affected: yes. Observed: 2 compound heterozygotes.

OMIM
Classification: Pathogenic for HYPOPHOSPHATEMIC RICKETS WITH HYPERCALCIURIA, HEREDITARY. Last evaluated: 2006-02-01. Review status: no assertion criteria provided. Collection method: literature only. Allele origin: germline. Not counted in ClinVar's aggregate classification.

Literature cited by the submitters: PubMed 16358215 (cited by 3 submitters).

NM_001177316.2(SLC34A3):c.1238C>A (p.Ala413Glu)

Gene: SLC34A3 (solute carrier family 34 member 3; plus strand). Cytogenetic location: 9q34.3.
Variant type: single nucleotide variant.
Coding change: c.1238C>A on transcript NM_001177316.2 (MANE Select); coding-DNA position 1238, C replaced by A.
Protein change: p.Ala413Glu; replaces alanine 413 with glutamic acid.
Molecular consequence: missense variant.
Genome position (GRCh38, 1-based): chr9:137,234,634, C>A. VCF-style: chr9-137234634-C-A. GRCh37 (hg19) VCF-style: chr9-140129086-C-A.
Other names: c.1238C>A, p.Ala413Glu (NM_001177317.2, NM_080877.3); short protein forms A413E.
Identifiers: ClinVar variation 1428 (VCV000001428.4), dbSNP rs121918235, ClinGen allele CA115010.